The following is an entry in ClinVar:

ClinVar aggregate classification (germline): Likely benign. Review status: criteria provided, multiple submitters, no conflicts (2 of 4 stars). 2 submissions from 2 submitters: Likely benign (2). Last evaluated 2026-01-15.

Submissions (2):

Labcorp Genetics (formerly Invitae), Labcorp
Classification: Likely benign. Last evaluated: 2026-01-15. Review status: criteria provided, single submitter. Criteria: Invitae Variant Classification Sherloc (09022015). Collection method: clinical testing. Allele origin: germline.

CeGaT Center for Human Genetics Tuebingen
Classification: Likely benign. Last evaluated: 2025-12-01. Review status: criteria provided, single submitter. Criteria: CeGaT Center For Human Genetics Tuebingen Variant Classification Criteria Version 2. Collection method: clinical testing. Allele origin: germline. Affected: yes. Observed: 3 variant alleles.
Comment: RERE: BS1

NM_001042681.2(RERE):c.12CAAAGA[5] (p.4DK[5])

Gene: RERE (arginine-glutamic acid dipeptide repeats; minus strand). Cytogenetic location: 1p36.23.
Variant type: Microsatellite.
Coding change: c.12CAAAGA[5] on transcript NM_001042681.2 (MANE Select); five copies in a row of the 6-base unit CAAAGA starting at c.12; the reference has four copies in a row; one copy, 6 bases duplicated.
Protein change: p.4DK[5].
Molecular consequence: inframe insertion.
Genome position (GRCh38, 1-based): chr1:8,656,263-8,656,268, TCTTTG duplicated on the plus strand (CAAAGA on the coding strand, the reverse complement: RERE is on the minus strand); duplicating any 6 consecutive bases within chr1:8,656,263-8,656,288 gives the same sequence; the position shown is the placement nearest the transcript's 3' end. VCF-style (leftmost placement, unchanged base first): chr1-8656262-C-CTCTTTG. GRCh37 (hg19) VCF-style: chr1-8716321-C-CTCTTTG.
Other names: c.12CAAAGA[5], p.4DK[5] (NM_012102.4).
Identifiers: ClinVar variation 1646268 (VCV001646268.32), dbSNP rs3831914, ClinGen allele CA572178.